The following is an entry in ClinVar:

NM_000704.3(ATP4A):c.2326+4C>T

Gene: ATP4A (ATPase H+/K+ transporting subunit alpha; minus strand). Cytogenetic location: 19q13.12.
Variant type: single nucleotide variant.
Coding change: c.2326+4C>T on transcript NM_000704.3 (MANE Select); 4 bases into the intron after coding-DNA position 2326, C replaced by T.
Molecular consequence: intron variant.
Genome position (GRCh38, 1-based): chr19:35,555,162, G>A on the plus strand (C>T on the coding strand, the complement: ATP4A is on the minus strand). VCF-style: chr19-35555162-G-A. GRCh37 (hg19) VCF-style: chr19-36046064-G-A.
Identifiers: ClinVar variation 4693001 (VCV004693001.1).

ClinVar aggregate classification (germline): Uncertain significance (1 of 4 stars; one submission).

Submission:

Labcorp Genetics (formerly Invitae), Labcorp
Classification: Uncertain significance. Last evaluated: 2025-11-06. Review status: criteria provided, single submitter. Criteria: Invitae Variant Classification Sherloc (09022015). Collection method: clinical testing. Allele origin: germline.
Comment: This sequence change falls in intron 15 of the ATP4A gene. It does not directly change the encoded amino acid sequence of the ATP4A protein. It affects a nucleotide within the consensus splice site. This variant is present in population databases (rs370361513, gnomAD 0.01%). This variant has not been reported in the literature in individuals affected with ATP4A-related conditions. Variants that disrupt the consensus splice site are a relatively common cause of aberrant splicing (PMID: 17576681, 9536098). Algorithms developed to predict the effect of sequence changes on RNA splicing suggest that this variant is not likely to affect RNA splicing. In summary, the available evidence is currently insufficient to determine the role of this variant in disease. Therefore, it has been classified as a Variant of Uncertain Significance.

Literature cited by the submitters: PubMed 17576681; PubMed 9536098.